The following is an entry in ClinVar:

ClinVar aggregate classification (germline): Uncertain significance (1 of 4 stars; one submission).

Conditions:
Inborn genetic diseases. Identifiers: MedGen C0950123, MeSH D030342.

gnomAD v4.1: 1 of 1,613,828 alleles (0.000062%); highest among the groups gnomAD compares: African/African-American, 0.0013%; no homozygotes.

Submission:

Ambry Genetics
Classification: Uncertain significance for Inborn genetic diseases. Last evaluated: 2026-07-21. Review status: criteria provided, single submitter. Criteria: Ambry Variant Classification Scheme 2023. Collection method: clinical testing. Allele origin: germline.
Comment: The p.S694I variant (also known as c.2081G>T), located in coding exon 16 of the BUB1B gene, results from a G to T substitution at nucleotide position 2081. The serine at codon 694 is replaced by isoleucine, an amino acid with dissimilar properties. This amino acid position is conserved. In addition, this alteration is predicted to be tolerated by in silico analysis. Based on the available evidence, the clinical significance of this variant remains unclear.

NM_001211.6(BUB1B):c.2081G>T (p.Ser694Ile)

Gene: BUB1B (BUB1 mitotic checkpoint serine/threonine kinase B; plus strand). Cytogenetic location: 15q15.1.
Variant type: single nucleotide variant.
Coding change: c.2081G>T on transcript NM_001211.6 (MANE Select); coding-DNA position 2081, G replaced by T.
Protein change: p.Ser694Ile; replaces serine 694 with isoleucine.
Molecular consequence: missense variant.
Genome position (GRCh38, 1-based): chr15:40,208,708, G>T. VCF-style: chr15-40208708-G-T. GRCh37 (hg19) VCF-style: chr15-40500909-G-T.
Other names: short protein forms S694I.
Identifiers: ClinVar variation 5033520 (VCV005033520.1).